The following is an entry in ClinVar:

ClinVar aggregate classification (germline): Benign/Likely benign. Review status: criteria provided, multiple submitters, no conflicts (2 of 4 stars). 6 submissions from 6 submitters: Benign (5); Likely benign (1). Last evaluated 2026-02-04.

Conditions:
Autosomal dominant hypocalcemia 1 (HYPOC1). Also called: HYPOCALCEMIA, FAMILIAL. Identifiers: MedGen C3715128, MONDO:0011013, OMIM 601198.
Familial hypocalciuric hypercalcemia (FHH). Also called: Familial benign hypercalcemia. Identifiers: Orphanet 405, MedGen C1809471, MONDO:0018458.

Allele frequency attached by ClinVar (database versions not stated): ESP Exome Variant Server 0.11279; gnomAD 0.11379 and 0.11473; TOPMed 0.11491; gnomAD exomes 0.12979 and 0.13792; ExAC 0.12998; 1000 Genomes Project 30x 0.13492; 1000 Genomes Project 0.14317.
gnomAD v4.1: 218,357 of 1,613,346 alleles (14%); highest among the groups gnomAD compares: East Asian, 40%; 17,374 homozygotes.

Submissions (6):

Labcorp Genetics (formerly Invitae), Labcorp
Classification: Benign for Familial hypocalciuric hypercalcemia; Autosomal dominant hypocalcemia 1. Last evaluated: 2026-02-04. Review status: criteria provided, single submitter. Criteria: Invitae Variant Classification Sherloc (09022015). Collection method: clinical testing. Allele origin: germline.

Blueprint Genetics
Classification: Likely benign. Last evaluated: 2024-11-26. Review status: criteria provided, single submitter. Criteria: ACMG Guidelines, 2015. Collection method: clinical testing. Allele origin: germline.

GeneDx
Classification: Benign. Last evaluated: 2017-12-13. Review status: criteria provided, single submitter. Criteria: GeneDx Variant Classification (06012015). Collection method: clinical testing. Allele origin: germline. Affected: yes.
Comment: This variant is considered likely benign or benign based on one or more of the following criteria: it is a conservative change, it occurs at a poorly conserved position in the protein, it is predicted to be benign by multiple in silico algorithms, and/or has population frequency not consistent with disease.

Athena Diagnostics
Classification: Benign. Last evaluated: 2017-08-02. Review status: criteria provided, single submitter. Criteria: Athena Diagnostics Criteria. Collection method: clinical testing. Allele origin: germline.

Breakthrough Genomics
Classification: Benign. Review status: criteria provided, single submitter. Criteria: ACMG Guidelines, 2015. Collection method: not provided. Allele origin: germline. Inheritance: Autosomal recessive inheritance. Affected: yes.

PreventionGenetics, part of Exact Sciences
Classification: Benign. Review status: criteria provided, single submitter. Criteria: ACMG Guidelines, 2015. Collection method: clinical testing. Allele origin: germline.

NM_000388.4(CASR):c.1732+16T>C

Gene: CASR (calcium sensing receptor; plus strand). Cytogenetic location: 3q21.1.
Variant type: single nucleotide variant.
Coding change: c.1732+16T>C on transcript NM_000388.4 (MANE Select); 16 bases into the intron after coding-DNA position 1732, T replaced by C.
Molecular consequence: intron variant.
Genome position (GRCh38, 1-based): chr3:122,282,252, T>C. VCF-style: chr3-122282252-T-C. GRCh37 (hg19) VCF-style: chr3-122001099-T-C.
Other names: c.1762+16T>C (NM_001178065.2).
Identifiers: ClinVar variation 257605 (VCV000257605.12), dbSNP rs2270916, ClinGen allele CA2569729.